The following is an entry in ClinVar:

ClinVar aggregate classification (germline): Uncertain significance (1 of 4 stars; one submission).

Allele frequency attached by ClinVar (database versions not stated): gnomAD exomes 0.00001 and 0.00002; ExAC 0.00003.
gnomAD v4.1: 11 of 1,612,496 alleles (0.00068%); highest among the groups gnomAD compares: South Asian, 0.011%; no homozygotes.

Submission:

Labcorp Genetics (formerly Invitae), Labcorp
Classification: Uncertain significance. Last evaluated: 2021-08-27. Review status: criteria provided, single submitter. Criteria: Invitae Variant Classification Sherloc (09022015). Collection method: clinical testing. Allele origin: germline.
Comment: This sequence change replaces alanine with threonine at codon 458 of the WHRN protein (p.Ala458Thr). The alanine residue is highly conserved and there is a small physicochemical difference between alanine and threonine. This variant is present in population databases (rs769022650, ExAC 0.02%). This variant has not been reported in the literature in individuals affected with WHRN-related conditions. Algorithms developed to predict the effect of missense changes on protein structure and function are either unavailable or do not agree on the potential impact of this missense change (SIFT: "Deleterious"; PolyPhen-2: "Benign"; Align-GVGD: "Class C0"). In summary, the available evidence is currently insufficient to determine the role of this variant in disease. Therefore, it has been classified as a Variant of Uncertain Significance.

NM_015404.4(WHRN):c.1372G>A (p.Ala458Thr)

Gene: WHRN (whirlin; minus strand). Cytogenetic location: 9q32.
Variant type: single nucleotide variant.
Coding change: c.1372G>A on transcript NM_015404.4 (MANE Select); coding-DNA position 1372, G replaced by A.
Protein change: p.Ala458Thr; replaces alanine 458 with threonine.
Molecular consequence: missense variant.
Genome position (GRCh38, 1-based): chr9:114,424,378, C>T on the plus strand (G>A on the coding strand, the complement: WHRN is on the minus strand). VCF-style: chr9-114424378-C-T. GRCh37 (hg19) VCF-style: chr9-117186658-C-T.
Other names: c.223G>A, p.Ala75Thr (NM_001083885.3); c.1372G>A, p.Ala458Thr (NM_001173425.2); c.319G>A, p.Ala107Thr (NM_001346890.1); short protein forms A107T, A458T, A75T.
Identifiers: ClinVar variation 1489867 (VCV001489867.5), dbSNP rs769022650, ClinGen allele CA5205981.